The following is an entry in ClinVar:

ClinVar aggregate classification (germline): Uncertain significance. Review status: criteria provided, multiple submitters, no conflicts (2 of 4 stars). 5 submissions from 5 submitters: Uncertain significance (5). Last evaluated 2025-06-25.

Conditions:
Cardiomyopathy (CMYO). Also called: Cardiomyopathies. Identifiers: Orphanet 167848, MedGen C0878544, MONDO:0004994, HP:0001638. Inheritance: Various modes of inheritance.
Hypertrophic cardiomyopathy. Also called: HYPERTROPHIC MYOCARDIOPATHY. Identifiers: Orphanet 217569, MedGen C0007194, MeSH D002312, MONDO:0005045, HP:0001639.
Dilated cardiomyopathy 1S (CMD1S). Identifiers: Orphanet 154, Orphanet 54260, MedGen C1834481, MONDO:0013262, OMIM 613426.

Submissions (5):

Color Diagnostics, LLC DBA Color Health
Classification: Uncertain significance for Cardiomyopathy. Last evaluated: 2025-06-25. Review status: criteria provided, single submitter. Criteria: ACMG Guidelines, 2015. Collection method: clinical testing. Allele origin: germline.
Comment: This missense variant replaces arginine with cysteine at codon 1193 of the MYH7 protein. Computational prediction suggests that this variant may have deleterious impact on protein structure and function. To our knowledge, functional studies have not been reported for this variant. This variant has not been reported in individuals affected with MYH7-related disorders in the literature. This variant has not been identified in the general population by the Genome Aggregation Database (gnomAD). A different variant occurring at the same codon, p.Arg1193His, is considered to be disease-causing (Clinvar variation ID: 42965), indicating that arginine at this position is important for MYH7 protein function. The available evidence is insufficient to determine the role of this variant in disease conclusively. Therefore, this variant is classified as a Variant of Uncertain Significance.

Labcorp Genetics (formerly Invitae), Labcorp
Classification: Uncertain significance for Hypertrophic cardiomyopathy. Last evaluated: 2024-01-29. Review status: criteria provided, single submitter. Criteria: Invitae Variant Classification Sherloc (09022015). Collection method: clinical testing. Allele origin: germline.
Comment: This sequence change replaces arginine, which is basic and polar, with cysteine, which is neutral and slightly polar, at codon 1193 of the MYH7 protein (p.Arg1193Cys). This variant is not present in population databases (gnomAD no frequency). This variant has not been reported in the literature in individuals affected with MYH7-related conditions. ClinVar contains an entry for this variant (Variation ID: 684861). Advanced modeling of protein sequence and biophysical properties (such as structural, functional, and spatial information, amino acid conservation, physicochemical variation, residue mobility, and thermodynamic stability) performed at Invitae indicates that this missense variant is expected to disrupt MYH7 protein function with a positive predictive value of 95%. This variant disrupts the p.Arg1193 amino acid residue in MYH7. Other variant(s) that disrupt this residue have been determined to be pathogenic (PMID: 22464770, 27532257; Invitae; external communication). This suggests that this residue is clinically significant, and that variants that disrupt this residue are likely to be disease-causing. In summary, the available evidence is currently insufficient to determine the role of this variant in disease. Therefore, it has been classified as a Variant of Uncertain Significance.

All of Us Research Program, National Institutes of Health
Classification: Uncertain significance for Cardiomyopathy. Last evaluated: 2023-06-08. Review status: criteria provided, single submitter. Criteria: ACMG Guidelines, 2015. Collection method: clinical testing. Allele origin: germline. Inheritance: Autosomal dominant inheritance. Observed: 1 variant allele, 1 heterozygote.
Comment: This missense variant replaces arginine with cysteine at codon 1193 of the MYH7 protein. Computational prediction suggests that this variant may have deleterious impact on protein structure and function (internally defined REVEL score threshold >= 0.7, PMID: 27666373). To our knowledge, functional studies have not been reported for this variant. This variant has not been reported in individuals affected with MYH7-related disorders in the literature. This variant has not been identified in the general population by the Genome Aggregation Database (gnomAD). A different variant occurring at the same codon, p.Arg1193His, is considered to be a likely pathogenic mutation for dilated cardiomyopathy (Clinvar variation ID: 42965), indicating that arginine at this position is important for MYH7 protein function. The available evidence is insufficient to determine the role of this variant in disease conclusively. Therefore, this variant is classified as a Variant of Uncertain Significance.

This study involves interpretation of variants in research participants for the purpose of population health screening. Participant phenotype was not available at the time of variant classification. Additional details can be found in publication PMID: 35346344, PMCID: PMC8962531

Victorian Clinical Genetics Services, Murdoch Childrens Research Institute
Classification: Uncertain significance for Dilated cardiomyopathy 1S. Last evaluated: 2022-02-02. Review status: criteria provided, single submitter. Criteria: ACMG Guidelines, 2015. Collection method: clinical testing. Allele origin: germline. Inheritance: Autosomal dominant inheritance. Affected: yes.
Comment: Based on the classification scheme VCGS_Germline_v1.3.4, this variant is classified as VUS-3A. Following criteria are met: 0105 - The mechanism of disease for this gene is not clearly established, however, missense variants have been proposed to act in a dominant negative manner (PMID: 24714796). (I) 0108 - This gene is associated with both recessive and dominant disease. Pathogenic variants in this gene are usually heterozygous, however a recessive inheritance pattern has been observed in severe cases (OMIM). (I) 0112 - The condition associated with this gene has incomplete penetrance (PMID: 29300372). (I) 0200 - Variant is predicted to result in a missense amino acid change from arginine to cysteine. (I) 0251 - This variant is heterozygous. (I) 0301 - Variant is absent from gnomAD (both v2 and v3). (SP) 0309 - An alternative amino acid change at the same position has been observed in gnomAD (v2) (2 heterozygotes, 0 homozygotes). (I) 0501 - Missense variant consistently predicted to be damaging by multiple in silico tools or highly conserved with a major amino acid change. (SP) 0603 - Missense variant in a region that is highly intolerant to missense variation (high constraint region in DECIPHER). This variant is located in the myosin tail domain (DECIPHER). (SP) 0710 - Other missense variants comparable to the one identified in this case have inconclusive previous evidence for pathogenicity. An alternative change to a histidine has been classified as a VUS by the ClinGen cardiomyopathy variant curation expert panel for autosomal dominant dilated cardiomyopathy (ClinVar). The histidine variant has conflicting interpretations of pathogenicity in ClinVar and has been identified in a DCM and HCM proband (PMID: 27532257). Additionally, an alternative change to a serine has been identified in four DCM affected members of a family, however, the variant was also carried by three unaffected family members (PMID: 15769782). The alternative change to a serine has a VUS entry in ClinVar and a pathogenic entry in the LOVD database. (I) 0809 - Previous evidence of pathogenicity for this variant is inconclusive. This variant has a VUS entry in ClinVar. (I) 0905 - No published segregation evidence has been identified for this variant. (I) 1007 - No published functional evidence has been identified for this variant. (I) Legend: (SP) - Supporting pathogenic, (I) - Information, (SB) - Supporting benign

Molecular Diagnostic Laboratory for Inherited Cardiovascular Disease, Montreal Heart Institute
Classification: Uncertain significance. Review status: criteria provided, single submitter. Criteria: ACMG Guidelines, 2015. Collection method: clinical testing. Allele origin: germline. Affected: yes.

Literature cited by the submitters: PubMed 22464770 (cited by Labcorp Genetics (formerly Invitae), Labcorp); PubMed 27532257 (cited by Labcorp Genetics (formerly Invitae), Labcorp and Victorian Clinical Genetics Services, Murdoch Childrens Research Institute); PubMed 15769782 (cited by Victorian Clinical Genetics Services, Murdoch Childrens Research Institute); PubMed 24714796 (cited by Victorian Clinical Genetics Services, Murdoch Childrens Research Institute); PubMed 29300372 (cited by Victorian Clinical Genetics Services, Murdoch Childrens Research Institute).

NM_000257.4(MYH7):c.3577C>T (p.Arg1193Cys)

Gene: MYH7 (myosin heavy chain 7; minus strand). Cytogenetic location: 14q11.2.
Variant type: single nucleotide variant.
Coding change: c.3577C>T on transcript NM_000257.4 (MANE Select); coding-DNA position 3577, C replaced by T.
Protein change: p.Arg1193Cys; replaces arginine 1193 with cysteine.
Molecular consequence: missense variant.
Genome position (GRCh38, 1-based): chr14:23,419,994, G>A on the plus strand (C>T on the coding strand, the complement: MYH7 is on the minus strand). VCF-style: chr14-23419994-G-A. GRCh37 (hg19) VCF-style: chr14-23889203-G-A.
Other names: c.3577C>T (NM_000257.2); short protein forms R1193C.
Identifiers: ClinVar variation 684861 (VCV000684861.9), dbSNP rs886039090, ClinGen allele CA389043416.